The following is an entry in ClinVar:

NM_203447.4(DOCK8):c.5629A>G (p.Met1877Val)

Gene: DOCK8 (dedicator of cytokinesis 8; plus strand). Cytogenetic location: 9p24.3.
Variant type: single nucleotide variant.
Coding change: c.5629A>G on transcript NM_203447.4 (MANE Select); coding-DNA position 5629, A replaced by G.
Protein change: p.Met1877Val; replaces methionine 1877 with valine.
Molecular consequence: missense variant.
Genome position (GRCh38, 1-based): chr9:446,418, A>G. VCF-style: chr9-446418-A-G. GRCh37 (hg19) VCF-style: chr9-446418-A-G.
Other names: c.5329A>G, p.Met1777Val (NM_001190458.2); c.5425A>G, p.Met1809Val (NM_001193536.2); short protein forms M1777V, M1809V, M1877V.
Identifiers: ClinVar variation 837220 (VCV000837220.11), dbSNP rs369626419, ClinGen allele CA4959499.
Genomic context (GRCh38, chr9:446,418, plus strand): 5'-TTTCCCCCTTAGGCCTACATACAGATCACTTTTGTGGAGCCCTACTTTGATGAGTATGAG[A>G]TGAAAGACAGGGTCACATACTTTGAGAAGAATTTCAACCTCCGGAGGTTCATGTACACCA-3'
Protein context (NP_982272.2, residues 1867-1887): FVEPYFDEYE[Met1877Val]KDRVTYFEKN

ClinVar aggregate classification (germline): Uncertain significance. Review status: criteria provided, multiple submitters, no conflicts (2 of 4 stars). 2 submissions from 2 submitters: Uncertain significance (2). Last evaluated 2022-01-19.

Conditions:
Inborn genetic diseases. Identifiers: MedGen C0950123, MeSH D030342.
Combined immunodeficiency due to DOCK8 deficiency (HIES2). Also called: HIES autosomal recessive; HYPER-IgE SYNDROME 2, AUTOSOMAL RECESSIVE, WITH RECURRENT INFECTIONS; DOCK8 Deficiency; Hyper-IgE recurrent infection syndrome, autosomal recessive; HYPER-IgE RECURRENT INFECTION SYNDROME 2, AUTOSOMAL RECESSIVE. Identifiers: Orphanet 217390, MedGen C4722305, MONDO:0009478, OMIM 243700.

Allele frequency attached by ClinVar (database versions not stated): gnomAD exomes below 0.00001; gnomAD 0.00001; TOPMed 0.00001; ExAC 0.00002; ESP Exome Variant Server 0.00008.

Submissions (2):

Ambry Genetics
Classification: Uncertain significance for Inborn genetic diseases. Last evaluated: 2022-01-19. Review status: criteria provided, single submitter. Criteria: Ambry Variant Classification Scheme 2023. Collection method: clinical testing. Allele origin: germline.

Labcorp Genetics (formerly Invitae), Labcorp
Classification: Uncertain significance for Combined immunodeficiency due to DOCK8 deficiency. Last evaluated: 2019-11-29. Review status: criteria provided, single submitter. Criteria: Invitae Variant Classification Sherloc (09022015). Collection method: clinical testing. Allele origin: germline.
Comment: Algorithms developed to predict the effect of sequence changes on RNA splicing suggest that this variant may create or strengthen a splice site, but this prediction has not been confirmed by published transcriptional studies. This sequence change replaces methionine with valine at codon 1877 of the DOCK8 protein (p.Met1877Val). The methionine residue is moderately conserved and there is a small physicochemical difference between methionine and valine. This variant is present in population databases (rs369626419, ExAC 0.01%). This variant has not been reported in the literature in individuals with DOCK8-related conditions. Algorithms developed to predict the effect of missense changes on protein structure and function (SIFT, PolyPhen-2, Align-GVGD) all suggest that this variant is likely to be tolerated, but these predictions have not been confirmed by published functional studies and their clinical significance is uncertain. In summary, the available evidence is currently insufficient to determine the role of this variant in disease. Therefore, it has been classified as a Variant of Uncertain Significance.